The following is an entry in ClinVar:

ClinVar aggregate classification (germline): Pathogenic (1 of 4 stars; one submission).

Conditions:
Kostmann syndrome (SCN3). Also called: Autosomal recessive severe congenital neutropenia type 3; KOSTMANN DISEASE. Identifiers: Orphanet 99749, MedGen C5235141, MONDO:0012548, OMIM 610738.

Submission:

Labcorp Genetics (formerly Invitae), Labcorp
Classification: Pathogenic for Kostmann syndrome. Last evaluated: 2023-06-14. Review status: criteria provided, single submitter. Criteria: Invitae Variant Classification Sherloc (09022015). Collection method: clinical testing. Allele origin: germline.
Comment: For these reasons, this variant has been classified as Pathogenic. This variant has not been reported in the literature in individuals affected with HAX1-related conditions. This sequence change creates a premature translational stop signal (p.Gly15*) in the HAX1 gene. It is expected to result in an absent or disrupted protein product. Loss-of-function variants in HAX1 are known to be pathogenic (PMID: 17187068). This variant is not present in population databases (gnomAD no frequency).

Literature cited by the submitters: PubMed 17187068.

NM_006118.4(HAX1):c.43G>T (p.Gly15Ter)

Gene: HAX1 (HCLS1 associated protein X-1; plus strand). Cytogenetic location: 1q21.3.
Variant type: single nucleotide variant.
Coding change: c.43G>T on transcript NM_006118.4 (MANE Select); coding-DNA position 43, G replaced by T.
Protein change: p.Gly15Ter; replaces glycine 15 with a stop codon.
Molecular consequence: nonsense.
Genome position (GRCh38, 1-based): chr1:154,272,766, G>T. VCF-style: chr1-154272766-G-T. GRCh37 (hg19) VCF-style: chr1-154245242-G-T.
Other names: c.43G>T, p.Gly15Ter (NM_001018837.2); short protein forms G15*.
Identifiers: ClinVar variation 2715418 (VCV002715418.3), dbSNP rs2524924781, ClinGen allele CA342591154.
Genomic context (GRCh38, chr1:154,272,766, plus strand): 5'-TCGCGTCCCAGTACGGGAATGAGCCTCTTTGATCTCTTCCGGGGCTTTTTCGGCTTTCCT[G>T]GACCTCGGAGGTGAGAGTAGGTCCGGCTCGGACAAGGGTGGGGGTCGTCTGAGGGGAGCT-3'